The following is an entry in ClinVar:

ClinVar aggregate classification (germline): Uncertain significance (1 of 4 stars; one submission).

Submission:

Labcorp Genetics (formerly Invitae), Labcorp
Classification: Uncertain significance. Last evaluated: 2025-06-08. Review status: criteria provided, single submitter. Criteria: Invitae Variant Classification Sherloc (09022015). Collection method: clinical testing. Allele origin: germline.
Comment: This sequence change replaces serine, which is neutral and polar, with leucine, which is neutral and non-polar, at codon 1290 of the CDK13 protein (p.Ser1290Leu). This variant is not present in population databases (gnomAD no frequency). This variant has not been reported in the literature in individuals affected with CDK13-related conditions. Invitae Evidence Modeling of protein sequence and biophysical properties (such as structural, functional, and spatial information, amino acid conservation, physicochemical variation, residue mobility, and thermodynamic stability) indicates that this missense variant is not expected to disrupt CDK13 protein function with a negative predictive value of 95%. In summary, the available evidence is currently insufficient to determine the role of this variant in disease. Therefore, it has been classified as a Variant of Uncertain Significance.

NM_003718.5(CDK13):c.3869C>T (p.Ser1290Leu)

Gene: CDK13 (cyclin dependent kinase 13; plus strand). Cytogenetic location: 7p14.1.
Variant type: single nucleotide variant.
Coding change: c.3869C>T on transcript NM_003718.5 (MANE Select); coding-DNA position 3869, C replaced by T.
Protein change: p.Ser1290Leu; replaces serine 1290 with leucine.
Molecular consequence: missense variant.
Genome position (GRCh38, 1-based): chr7:40,094,310, C>T. VCF-style: chr7-40094310-C-T. GRCh37 (hg19) VCF-style: chr7-40133909-C-T.
Other names: c.3689C>T, p.Ser1230Leu (NM_031267.4); short protein forms S1290L, S1230L.
Identifiers: ClinVar variation 4745706 (VCV004745706.1).